The following is an entry in ClinVar:

ClinVar aggregate classification (germline): Likely benign (0 of 4 stars; one submission).

Conditions:
TBC1D7-related disorder. Also called: TBC1D7-related condition.

Allele frequency attached by ClinVar (database versions not stated): TOPMed 0.00003; gnomAD 0.00005; gnomAD exomes 0.00010; ExAC 0.00029; 1000 Genomes Project 0.00100; 1000 Genomes Project 30x 0.00109.
gnomAD v4.1: 154 of 1,562,238 alleles (0.0099%); highest among the groups gnomAD compares: South Asian, 0.15%; no homozygotes.

Submission:

PreventionGenetics, part of Exact Sciences
Classification: Likely benign for TBC1D7-related condition. Last evaluated: 2024-02-22. Review status: no assertion criteria provided. Collection method: clinical testing. Allele origin: germline.
Comment: This variant is classified as likely benign based on ACMG/AMP sequence variant interpretation guidelines (Richards et al. 2015 PMID: 25741868, with internal and published modifications).

NM_016495.6(TBC1D7):c.381+56C>T

Genes: TBC1D7 (TBC1 domain family member 7; minus strand), TBC1D7-LOC100130357 (TBC1D7-LOC100130357 readthrough; minus strand). Cytogenetic location: 6p24.1.
Variant type: single nucleotide variant.
Coding change: c.381+56C>T on transcript NM_016495.6 (MANE Select); 56 bases into the intron after coding-DNA position 381, C replaced by T.
Molecular consequence: intron variant. On other transcripts: missense variant (1).
Genome position (GRCh38, 1-based): chr6:13,320,852, G>A on the plus strand (C>T on the coding strand, the complement: TBC1D7 is on the minus strand). VCF-style: chr6-13320852-G-A. GRCh37 (hg19) VCF-style: chr6-13321084-G-A.
Other names: c.356C>T, p.Pro119Leu (NM_001318806.2); c.381+56C>T (NM_001318809.2, NM_001258457.3, NM_001143965.4 and 2 more transcripts); c.300+56C>T (NM_001143966.4); short protein forms P119L.
Identifiers: ClinVar variation 3046514 (VCV003046514.2), dbSNP rs578201717, ClinGen allele CA3639798.
Genomic context (GRCh38, chr6:13,320,852, plus strand): 5'-CTAATAACAACAGGGAGCCACCAAAAGTTTTTAAGGCAAAACATGATGTAATCAAAGGCC[G>A]GCAAGATGGGACGGTCTAGAGTTGAGCTTAGTGTCAGACAAAAGTGACCACTAACCAGTG-3'